The following is an entry in ClinVar:

NM_201589.4(MAFA):c.469C>T (p.Pro157Ser)

Gene: MAFA (MAF bZIP transcription factor A; minus strand). Cytogenetic location: 8q24.3.
Variant type: single nucleotide variant.
Coding change: c.469C>T on transcript NM_201589.4 (MANE Select); coding-DNA position 469, C replaced by T.
Protein change: p.Pro157Ser; replaces proline 157 with serine.
Molecular consequence: missense variant.
Genome position (GRCh38, 1-based): chr8:143,429,938, G>A on the plus strand (C>T on the coding strand, the complement: MAFA is on the minus strand). VCF-style: chr8-143429938-G-A. GRCh37 (hg19) VCF-style: chr8-144512108-G-A.
Other names: short protein forms P157S.
Identifiers: ClinVar variation 3292567 (VCV003292567.2).

ClinVar aggregate classification (germline): Uncertain significance. Review status: criteria provided, multiple submitters, no conflicts (2 of 4 stars). 2 submissions from 2 submitters: Uncertain significance (2). Last evaluated 2024-10-31.

Conditions:
MAFA-related disorder. Also called: MAFA-related condition.

Submissions (2):

PreventionGenetics, part of Exact Sciences
Classification: Uncertain significance for MAFA-related condition. Last evaluated: 2024-10-31. Review status: criteria provided, single submitter. Criteria: ACMG Guidelines, 2015. Collection method: clinical testing. Allele origin: germline.
Comment: The MAFA c.469C>T variant is predicted to result in the amino acid substitution p.Pro157Ser. To our knowledge, this variant has not been reported in the literature. This variant is reported in 0.030% of alleles in individuals of European (Non-Finnish) descent in gnomAD. At this time, the clinical significance of this variant is uncertain due to the absence of conclusive functional and genetic evidence.

Ambry Genetics
Classification: Uncertain significance. Last evaluated: 2024-03-28. Review status: criteria provided, single submitter. Criteria: Ambry Variant Classification Scheme 2023. Collection method: clinical testing. Allele origin: germline.